The following is an entry in ClinVar:

ClinVar aggregate classification (germline): Uncertain significance (1 of 4 stars; one submission).

Conditions:
Cardiovascular phenotype. Identifiers: MedGen CN230736.

gnomAD v4.1: 1 of 1,611,308 alleles (0.000062%); highest among the groups gnomAD compares: Non-Finnish European, 0.000085%; no homozygotes.

Submission:

Ambry Genetics
Classification: Uncertain significance for Cardiovascular phenotype. Last evaluated: 2024-11-30. Review status: criteria provided, single submitter. Criteria: Ambry Variant Classification Scheme 2023. Collection method: clinical testing. Allele origin: germline.
Comment: The p.D1587V variant (also known as c.4760A>T), located in coding exon 12 of the TNXB gene, results from an A to T substitution at nucleotide position 4760. The aspartic acid at codon 1587 is replaced by valine, an amino acid with highly dissimilar properties. This amino acid position is conserved. In addition, this alteration is predicted to be tolerated by in silico analysis. Based on the available evidence, the clinical significance of this variant remains unclear.

NM_001365276.2(TNXB):c.4760A>T (p.Asp1587Val)

Gene: TNXB (tenascin XB; minus strand). Cytogenetic location: 6p21.33.
Variant type: single nucleotide variant.
Coding change: c.4760A>T on transcript NM_001365276.2 (MANE Select); coding-DNA position 4760, A replaced by T.
Protein change: p.Asp1587Val; replaces aspartic acid 1587 with valine.
Molecular consequence: missense variant.
Genome position (GRCh38, 1-based): chr6:32,072,220, T>A on the plus strand (A>T on the coding strand, the complement: TNXB is on the minus strand). VCF-style: chr6-32072220-T-A. GRCh37 (hg19) VCF-style: chr6-32039997-T-A.
Other names: c.5501A>T, p.Asp1834Val (NM_001428335.1); c.4760A>T, p.Asp1587Val (NM_019105.8); short protein forms D1587V, D1834V.
Identifiers: ClinVar variation 3459918 (VCV003459918.1).
Genomic context (GRCh38, chr6:32,072,220, plus strand): 5'-AAGGAGTCGAATTCACCCTCAGGGACTGTCCATGAGAGGCCCACAGAGTCAGGGGTTATA[T>A]CCGTCACTGTCAGCTCCCCTAGGCGTGGCTCCAGGGGAGGCTTGGAGGCCTCTGTGGCTG-3'
Protein context (NP_001352205.1, residues 1577-1597): EPRLGELTVT[Asp1587Val]ITPDSVGLSW